The following is an entry in ClinVar:

ClinVar aggregate classification (germline): Likely pathogenic (1 of 4 stars; one submission).

Conditions:
Dilated cardiomyopathy 1G (CMD1G). Identifiers: Orphanet 154, MedGen C1858763, MONDO:0011400, OMIM 604145.
Autosomal recessive limb-girdle muscular dystrophy type 2J (LGMDR10). Also called: MUSCULAR DYSTROPHY, LIMB-GIRDLE, AUTOSOMAL RECESSIVE 10; Limb-girdle muscular dystrophy, type 2J. Identifiers: Orphanet 140922, MedGen C1837342, MONDO:0012127, OMIM 608807.

Submission:

Labcorp Genetics (formerly Invitae), Labcorp
Classification: Likely pathogenic for Dilated cardiomyopathy 1G; Autosomal recessive limb-girdle muscular dystrophy type 2J. Last evaluated: 2023-11-28. Review status: criteria provided, single submitter. Criteria: Invitae Variant Classification Sherloc (09022015). Collection method: clinical testing. Allele origin: germline.
Comment: This sequence change creates a premature translational stop signal (p.Glu22526*) in the TTN gene. While this is not anticipated to result in nonsense mediated decay, it is expected to create a truncated TTN protein. This variant is not present in population databases (gnomAD no frequency). This variant has not been reported in the literature in individuals affected with TTN-related conditions. ClinVar contains an entry for this variant (Variation ID: 852484). This variant is located in the A band of TTN (PMID: 25589632). Truncating variants in this region are significantly overrepresented in patients affected with dilated cardiomyopathy (PMID: 25589632). Truncating variants in this region have also been reported in individuals affected with autosomal recessive centronuclear myopathy (PMID: 23975875). In summary, the currently available evidence indicates that the variant is pathogenic, but additional data are needed to prove that conclusively. Therefore, this variant has been classified as Likely Pathogenic.

Literature cited by the submitters: PubMed 25589632; PubMed 23975875.

NM_001267550.2(TTN):c.67576G>T (p.Glu22526Ter)

Genes: TTN (titin; minus strand), TTN-AS1 (TTN antisense RNA 1; plus strand), LOC126806423 (CDK7 strongly-dependent group 2 enhancer GRCh37_chr2:179443309-179444508; plus strand). Cytogenetic location: 2q31.2.
Variant type: single nucleotide variant.
Coding change: c.67576G>T on transcript NM_001267550.2 (MANE Select); coding-DNA position 67576, G replaced by T.
Protein change: p.Glu22526Ter; replaces glutamic acid 22526 with a stop codon.
Molecular consequence: nonsense.
Genome position (GRCh38, 1-based): chr2:178,579,621, C>A on the plus strand (G>T on the coding strand, the complement: TTN is on the minus strand). VCF-style: chr2-178579621-C-A. GRCh37 (hg19) VCF-style: chr2-179444348-C-A.
Other names: c.62653G>T, p.Glu20885Ter (NM_001256850.1); c.40381G>T, p.Glu13461Ter (NM_003319.4); c.59872G>T, p.Glu19958Ter (NM_133378.4); c.40756G>T, p.Glu13586Ter (NM_133432.3); c.40957G>T, p.Glu13653Ter (NM_133437.4); short protein forms E13586*, E13653*, E13461*, E19958*, E22526*, E20885*.
Identifiers: ClinVar variation 852484 (VCV000852484.10), dbSNP rs2047236705, ClinGen allele CA349423453.